The following is an entry in ClinVar:

NM_001244008.2(KIF1A):c.3155C>T (p.Ala1052Val)

Gene: KIF1A (kinesin family member 1A; minus strand). Cytogenetic location: 2q37.3.
Variant type: single nucleotide variant.
Coding change: c.3155C>T on transcript NM_001244008.2 (MANE Select); coding-DNA position 3155, C replaced by T.
Protein change: p.Ala1052Val; replaces alanine 1052 with valine.
Molecular consequence: missense variant.
Genome position (GRCh38, 1-based): chr2:240,746,086, G>A on the plus strand (C>T on the coding strand, the complement: KIF1A is on the minus strand). VCF-style: chr2-240746086-G-A. GRCh37 (hg19) VCF-style: chr2-241685503-G-A.
Other names: c.2879C>T, p.Ala960Val (NM_001320705.2, NM_001330289.2, NM_001379638.1); c.2954C>T, p.Ala985Val (NM_001330290.2, NM_001379634.1, NM_001379635.1 and 1 more transcripts); c.3230C>T, p.Ala1077Val (NM_001379631.1); c.3104C>T, p.Ala1035Val (NM_001379632.1); c.3128C>T, p.Ala1043Val (NM_001379633.1, NM_001379642.1, NM_001379645.1); c.2852C>T, p.Ala951Val (NM_001379636.1, NM_001379639.1, NM_001379640.1 and 6 more transcripts); c.2927C>T, p.Ala976Val (NM_001379637.1, NM_001379648.1); short protein forms A1035V, A1043V, A1052V, A1077V, A951V, A960V, A976V, A985V.
Identifiers: ClinVar variation 3751371 (VCV003751371.2).

ClinVar aggregate classification (germline): Uncertain significance (1 of 4 stars; one submission).

Conditions:
Neuropathy, hereditary sensory, type 2C. Also called: KIF1A-Related HSAN2 (HSAN2C); Hereditary sensory and autonomic neuropathy type IIC. Identifiers: Orphanet 970, MedGen C3280168, MONDO:0013634, OMIM 614213.
Hereditary spastic paraplegia 30. Identifiers: Orphanet 101010, MedGen C5235139, MONDO:0012476.
Intellectual disability, autosomal dominant 9 (NESCAVS). Also called: KIF1A-Related Neurodevelopmental Disorder; NESCAV SYNDROME. Identifiers: Orphanet 662367, MedGen C5393830, MONDO:0013656, OMIM 614255.

gnomAD v4.1: 2 of 1,596,590 alleles (0.00013%); highest among the groups gnomAD compares: Non-Finnish European, 0.000085%; no homozygotes.

Submission:

Labcorp Genetics (formerly Invitae), Labcorp
Classification: Uncertain significance for Hereditary spastic paraplegia 30; Neuropathy, hereditary sensory, type 2C; Intellectual disability, autosomal dominant 9. Last evaluated: 2024-03-03. Review status: criteria provided, single submitter. Criteria: Invitae Variant Classification Sherloc (09022015). Collection method: clinical testing. Allele origin: germline.
Comment: This sequence change replaces alanine, which is neutral and non-polar, with valine, which is neutral and non-polar, at codon 951 of the KIF1A protein (p.Ala951Val). The frequency data for this variant in the population databases is considered unreliable, as metrics indicate poor data quality at this position in the gnomAD database. This variant has not been reported in the literature in individuals affected with KIF1A-related conditions. Advanced modeling of protein sequence and biophysical properties (such as structural, functional, and spatial information, amino acid conservation, physicochemical variation, residue mobility, and thermodynamic stability) performed at Invitae indicates that this missense variant is not expected to disrupt KIF1A protein function with a negative predictive value of 95%. In summary, the available evidence is currently insufficient to determine the role of this variant in disease. Therefore, it has been classified as a Variant of Uncertain Significance.